The following is an entry in ClinVar:

NM_001243925.2(MAPKAPK3):c.271G>A (p.Ala91Thr)

Gene: MAPKAPK3 (MAPK activated protein kinase 3; plus strand). Cytogenetic location: 3p21.2.
Variant type: single nucleotide variant.
Coding change: c.271G>A on transcript NM_001243925.2 (MANE Select); coding-DNA position 271, G replaced by A.
Protein change: p.Ala91Thr; replaces alanine 91 with threonine.
Molecular consequence: missense variant.
Genome position (GRCh38, 1-based): chr3:50,640,417, G>A. VCF-style: chr3-50640417-G-A. GRCh37 (hg19) VCF-style: chr3-50677848-G-A.
Other names: c.271G>A, p.Ala91Thr (NM_001243926.2, NM_004635.5); short protein forms A91T.
Identifiers: ClinVar variation 4763110 (VCV004763110.1).

ClinVar aggregate classification (germline): Uncertain significance (1 of 4 stars; one submission).

gnomAD v4.1: 7 of 1,614,138 alleles (0.00043%); highest among the groups gnomAD compares: African/African-American, 0.0067%; no homozygotes.

Submission:

Labcorp Genetics (formerly Invitae), Labcorp
Classification: Uncertain significance. Last evaluated: 2025-12-02. Review status: criteria provided, single submitter. Criteria: Invitae Variant Classification Sherloc (09022015). Collection method: clinical testing. Allele origin: germline.
Comment: This sequence change replaces alanine, which is neutral and non-polar, with threonine, which is neutral and polar, at codon 91 of the MAPKAPK3 protein (p.Ala91Thr). This variant is present in population databases (rs575368406, gnomAD 0.007%). This variant has not been reported in the literature in individuals affected with MAPKAPK3-related conditions. An algorithm developed to predict the effect of missense changes on protein structure and function outputs the following: PolyPhen-2: "Benign". The threonine amino acid residue is found in multiple mammalian species, which suggests that this missense change does not adversely affect protein function. In summary, the available evidence is currently insufficient to determine the role of this variant in disease. Therefore, it has been classified as a Variant of Uncertain Significance.